The following is an entry in ClinVar:

ClinVar aggregate classification (germline): Pathogenic (1 of 4 stars; one submission).

Conditions:
Joubert syndrome. Also called: CEREBELLOPARENCHYMAL DISORDER IV; JOUBERT-BOLTSHAUSER SYNDROME; Familial aplasia of the vermis. Identifiers: Orphanet 475, MedGen C5979921, MONDO:0018772.
Meckel-Gruber syndrome. Also called: DYSENCEPHALIA SPLANCHNOCYSTICA; GRUBER SYNDROME; Dysencephalia splachnocystica. Identifiers: Orphanet 564, MedGen C0265215, MONDO:0018921.

Submission:

Labcorp Genetics (formerly Invitae), Labcorp
Classification: Pathogenic for Joubert syndrome; Meckel-Gruber syndrome. Last evaluated: 2023-12-11. Review status: criteria provided, single submitter. Criteria: Invitae Variant Classification Sherloc (09022015). Collection method: clinical testing. Allele origin: unknown.
Comment: This variant is a gross deletion of the genomic region encompassing exon(s) 3-7 of the CC2D2A gene, which includes the initiator codon. This deletion extends beyond the assayed region for this gene and therefore may encompass additional genes. It is expected to result in an absent or disrupted protein product. Loss-of-function variants in CC2D2A are known to be pathogenic (PMID: 19777577). This variant has not been reported in the literature in individuals affected with CC2D2A-related conditions. For these reasons, this variant has been classified as Pathogenic.

Literature cited by the submitters: PubMed 19777577.

NC_000004.11:g.(?_15477557)_(15504566_?)del

Gene: CC2D2A (coiled-coil and C2 domain containing 2A; plus strand). Cytogenetic location: 4p15.32.
Variant type: Deletion.
Identifiers: ClinVar variation 3246613 (VCV003246613.1).